The following is an entry in ClinVar:

NM_018344.6(SLC29A3):c.5C>T (p.Ala2Val)

Gene: SLC29A3 (solute carrier family 29 member 3; plus strand). Cytogenetic location: 10q22.1.
Variant type: single nucleotide variant.
Coding change: c.5C>T on transcript NM_018344.6 (MANE Select); coding-DNA position 5, C replaced by T.
Protein change: p.Ala2Val; replaces alanine 2 with valine.
Molecular consequence: missense variant. On other transcripts: 5 prime UTR variant (1), non-coding transcript variant (2).
Genome position (GRCh38, 1-based): chr10:71,322,759, C>T. VCF-style: chr10-71322759-C-T. GRCh37 (hg19) VCF-style: chr10-73082516-C-T.
Other names: c.5C>T, p.Ala2Val (NM_001174098.2); c.-230C>T (NM_001363518.2); short protein forms A2V.
Identifiers: ClinVar variation 1019351 (VCV001019351.8), dbSNP rs1845876868, ClinGen allele CA377128882.

ClinVar aggregate classification (germline): Uncertain significance (1 of 4 stars; one submission).

Conditions:
H syndrome. Also called: Histiocytosis with joint contractures and sensorineural deafness; Asrar Facharzt Haque syndrome; HISTIOCYTOSIS AND LYMPHADENOPATHY WITH OR WITHOUT CUTANEOUS, CARDIAC, AND/OR ENDOCRINE FEATURES, JOINT CONTRACTURES, AND/OR DEAFNESS; HYPERPIGMENTATION, CUTANEOUS, WITH HYPERTRICHOSIS, HEPATOSPLENOMEGALY, HEART ANOMALIES, AND HYPOGONADISM WITH OR WITHOUT HEARING LOSS; PIGMENTED HYPERTRICHOSIS WITH INSULIN-DEPENDENT DIABETES MELLITUS; ROSAI-DORFMAN DISEASE, FAMILIAL. Identifiers: Orphanet 168569, MedGen C1864445, MONDO:0011273, OMIM 602782.

Submission:

Labcorp Genetics (formerly Invitae), Labcorp
Classification: Uncertain significance for H syndrome. Last evaluated: 2022-07-06. Review status: criteria provided, single submitter. Criteria: Invitae Variant Classification Sherloc (09022015). Collection method: clinical testing. Allele origin: germline.
Comment: Algorithms developed to predict the effect of missense changes on protein structure and function are either unavailable or do not agree on the potential impact of this missense change (SIFT: "Tolerated"; PolyPhen-2: "Possibly Damaging"; Align-GVGD: "Class C0"). ClinVar contains an entry for this variant (Variation ID: 1019351). In summary, the available evidence is currently insufficient to determine the role of this variant in disease. Therefore, it has been classified as a Variant of Uncertain Significance. This variant has not been reported in the literature in individuals affected with SLC29A3-related conditions. This variant is not present in population databases (gnomAD no frequency). This sequence change replaces alanine, which is neutral and non-polar, with valine, which is neutral and non-polar, at codon 2 of the SLC29A3 protein (p.Ala2Val).